The following is an entry in ClinVar:

ClinVar aggregate classification (germline): Uncertain significance (1 of 4 stars; one submission).

Conditions:
SEMA3F-related disorder. Also called: SEMA3F-related condition.

gnomAD v4.1: 1 of 1,607,574 alleles (0.000062%); highest among the groups gnomAD compares: Non-Finnish European, 0.000085%; no homozygotes.

Submission:

PreventionGenetics, part of Exact Sciences
Classification: Uncertain significance for SEMA3F-related condition. Last evaluated: 2025-01-25. Review status: criteria provided, single submitter. Criteria: ACMG Guidelines, 2015. Collection method: clinical testing. Allele origin: germline.
Comment: The SEMA3F c.1853C>A variant is predicted to result in the amino acid substitution p.Ala618Asp. To our knowledge, this variant has not been reported in the literature or in a large population database (gnomAD), indicating this variant is rare. At this time, the clinical significance of this variant is uncertain due to the absence of conclusive functional and genetic evidence.

NM_004186.5(SEMA3F):c.1853C>A (p.Ala618Asp)

Gene: SEMA3F (semaphorin 3F; plus strand). Cytogenetic location: 3p21.31.
Variant type: single nucleotide variant.
Coding change: c.1853C>A on transcript NM_004186.5 (MANE Select); coding-DNA position 1853, C replaced by A.
Protein change: p.Ala618Asp; replaces alanine 618 with aspartic acid.
Molecular consequence: missense variant.
Genome position (GRCh38, 1-based): chr3:50,186,652, C>A. VCF-style: chr3-50186652-C-A. GRCh37 (hg19) VCF-style: chr3-50224085-C-A.
Other names: c.1556C>A, p.Ala519Asp (NM_001318798.2); c.1760C>A, p.Ala587Asp (NM_001318800.2); short protein forms A519D, A618D, A587D.
Identifiers: ClinVar variation 5001414 (VCV005001414.1).